The following is an entry in ClinVar:

ClinVar aggregate classification (germline): Pathogenic (1 of 4 stars; one submission).

Submission:

Labcorp Genetics (formerly Invitae), Labcorp
Classification: Pathogenic. Last evaluated: 2023-01-27. Review status: criteria provided, single submitter. Criteria: Invitae Variant Classification Sherloc (09022015). Collection method: clinical testing. Allele origin: unknown.
Comment: For these reasons, this variant has been classified as Pathogenic. This variant disrupts a region of the DDR2 protein in which other variant(s) (p.Arg714*) have been determined to be pathogenic (Invitae). This suggests that this is a clinically significant region of the protein, and that variants that disrupt it are likely to be disease-causing. This variant has not been reported in the literature in individuals affected with DDR2-related conditions. This variant results in the deletion of part of exon 12 and exons 13-18 (c.1458_*7387del) of the DDR2 gene. While this deletion is not anticipated to lead to nonsense mediated decay, it is expected to alter mRNA translation or result in a truncated protein product.

NC_000001.10:g.(?_162740256)_(162757423_?)del

Gene: DDR2 (discoidin domain receptor tyrosine kinase 2; plus strand). Cytogenetic location: 1q23.3.
Variant type: Deletion.
Identifiers: ClinVar variation 3247972 (VCV003247972.1).